The following is an entry in ClinVar:

ClinVar aggregate classification (germline): Conflicting classifications of pathogenicity. Review status: criteria provided, conflicting classifications (1 of 4 stars). 6 submissions from 6 submitters: Uncertain significance (4); Likely benign (2). Last evaluated 2025-08-13.

Conditions:
Hereditary cancer-predisposing syndrome. Also called: Hereditary Cancer Syndrome; Tumor predisposition; Hereditary neoplastic syndrome; Neoplastic Syndromes, Hereditary. Identifiers: Orphanet 140162, MedGen C0027672, MeSH D009386, MONDO:0015356.
Hereditary breast ovarian cancer syndrome. Also called: Hereditary breast and ovarian cancer syndrome; BRCA1- and BRCA2-Associated Hereditary Breast and Ovarian Cancer; Breast and ovarian cancer; Hereditary breast and/or ovarian cancer syndrome; Hereditary breast and ovarian cancer; Hereditary breast and ovarian cancer syndrome (HBOC). Identifiers: Orphanet 145, MedGen C0677776, MeSH D061325, MONDO:0003582. Disease mechanism: loss of function.
Breast-ovarian cancer, familial, susceptibility to, 2 (BROVCA2). Also called: BRCA2 Hereditary Breast and Ovarian Cancer. Identifiers: Orphanet 145, MedGen C2675520, MONDO:0012933, OMIM 612555. Disease mechanism: loss of function.

Allele frequency attached by ClinVar (database versions not stated): gnomAD exomes below 0.00001; TOPMed below 0.00001.
gnomAD v4.1: 2 of 1,611,980 alleles (0.00012%); highest among the groups gnomAD compares: Non-Finnish European, 0.00017%; no homozygotes.

Submissions (6):

Quest Diagnostics Nichols Institute San Juan Capistrano
Classification: Uncertain significance. Last evaluated: 2025-08-13. Review status: criteria provided, single submitter. Criteria: Quest Diagnostics criteria. Collection method: clinical testing. Allele origin: unknown.
Comment: The BRCA2 c.5273A>G (p.Asn1758Ser) variant has not been reported in individuals with BRCA2-related conditions in the published literature. However, it has been detected in a reportedly unaffected individuals (PMID: 33471991 (2021), see also LOVD). The variant has also been described to be located in a region of the BRCA2 gene that is tolerant to missense sequence changes (PMID: 31911673 (2020)). This variant has not been reported in large, multi-ethnic general populations (Genome Aggregation Database). Analysis of this variant using bioinformatics tools for the prediction of the effect of amino acid changes on protein structure and function yielded predictions that this variant is benign. Based on the available information, we are unable to determine the clinical significance of this variant.

Labcorp Genetics (formerly Invitae), Labcorp
Classification: Uncertain significance for Hereditary breast ovarian cancer syndrome. Last evaluated: 2024-10-24. Review status: criteria provided, single submitter. Criteria: Invitae Variant Classification Sherloc (09022015). Collection method: clinical testing. Allele origin: germline.
Comment: This sequence change replaces asparagine, which is neutral and polar, with serine, which is neutral and polar, at codon 1758 of the BRCA2 protein (p.Asn1758Ser). This variant is not present in population databases (gnomAD no frequency). This variant has not been reported in the literature in individuals affected with BRCA2-related conditions. ClinVar contains an entry for this variant (Variation ID: 1055041). Invitae Evidence Modeling of protein sequence and biophysical properties (such as structural, functional, and spatial information, amino acid conservation, physicochemical variation, residue mobility, and thermodynamic stability) indicates that this missense variant is not expected to disrupt BRCA2 protein function with a negative predictive value of 95%. In summary, the available evidence is currently insufficient to determine the role of this variant in disease. Therefore, it has been classified as a Variant of Uncertain Significance.

All of Us Research Program, National Institutes of Health
Classification: Uncertain significance for Breast-ovarian cancer, familial, susceptibility to, 2. Last evaluated: 2023-06-26. Review status: criteria provided, single submitter. Criteria: ACMG Guidelines, 2015. Collection method: clinical testing. Allele origin: germline. Inheritance: Autosomal dominant inheritance. Observed: 1 variant allele, 1 heterozygote.
Comment: This missense variant replaces asparagine with serine at codon 1758 of the BRCA2 protein. Computational prediction suggests that this variant may not impact protein structure and function (internally defined REVEL score threshold <= 0.5, PMID: 27666373). To our knowledge, functional studies have not been reported for this variant. This variant has not been reported in individuals affected with BRCA2-related disorders in the literature. This variant has not been identified in the general population by the Genome Aggregation Database (gnomAD). The available evidence is insufficient to determine the role of this variant in disease conclusively. Therefore, this variant is classified as a Variant of Uncertain Significance.

This study involves interpretation of variants in research participants for the purpose of population health screening. Participant phenotype was not available at the time of variant classification. Additional details can be found in publication PMID: 35346344, PMCID: PMC8962531

University of Washington Department of Laboratory Medicine, University of Washington
Classification: Likely benign for Hereditary cancer-predisposing syndrome. Last evaluated: 2023-03-23. Review status: criteria provided, single submitter. Criteria: Dines et al. (Genet Med. 2020). Collection method: curation. Allele origin: germline.
Comment: Missense variant in a coldspot region where missense variants are very unlikely to be pathogenic (PMID:31911673).

BRCA2 exon 11 coldspot. Reclassification based on statistical prior probability.

Ambry Genetics
Classification: Likely benign for Hereditary cancer-predisposing syndrome. Last evaluated: 2022-07-11. Review status: criteria provided, single submitter. Criteria: Ambry Variant Classification Scheme 2023. Collection method: clinical testing. Allele origin: germline.

Genetic Services Laboratory, University of Chicago
Classification: Uncertain significance. Last evaluated: 2019-03-29. Review status: criteria provided, single submitter. Criteria: ACMG Guidelines, 2015. Collection method: clinical testing. Allele origin: germline. Affected: no.

Literature cited by the submitters: PubMed 31911673 (cited by Quest Diagnostics Nichols Institute San Juan Capistrano); PubMed 33471991 (cited by Quest Diagnostics Nichols Institute San Juan Capistrano).

NM_000059.4(BRCA2):c.5273A>G (p.Asn1758Ser)

Gene: BRCA2 (BRCA2 DNA repair associated; plus strand). Cytogenetic location: 13q13.1.
Variant type: single nucleotide variant.
Coding change: c.5273A>G on transcript NM_000059.4 (MANE Select); coding-DNA position 5273, A replaced by G.
Protein change: p.Asn1758Ser; replaces asparagine 1758 with serine.
Molecular consequence: missense variant.
Genome position (GRCh38, 1-based): chr13:32,339,628, A>G. VCF-style: chr13-32339628-A-G. GRCh37 (hg19) VCF-style: chr13-32913765-A-G.
Other names: short protein forms N1758S.
Identifiers: ClinVar variation 1055041 (VCV001055041.14), dbSNP rs2072525612, ClinGen allele CA387784748.